The following is an entry in ClinVar:

ClinVar aggregate classification (germline): Uncertain significance (1 of 4 stars; one submission).

gnomAD v4.1: 1 of 1,612,338 alleles (0.000062%); highest among the groups gnomAD compares: Non-Finnish European, 0.000085%; no homozygotes.

Submission:

GeneDx
Classification: Uncertain significance. Last evaluated: 2023-06-29. Review status: criteria provided, single submitter. Criteria: GeneDx Variant Classification Process June 2021. Collection method: clinical testing. Allele origin: germline. Affected: yes.
Comment: Not observed at significant frequency in large population cohorts (gnomAD); In silico analysis supports that this missense variant does not alter protein structure/function; Has not been previously published as pathogenic or benign to our knowledge

NM_002430.3(MN1):c.3559G>A (p.Val1187Ile)

Gene: MN1 (MN1 proto-oncogene, transcriptional regulator; minus strand). Cytogenetic location: 22q12.1.
Variant type: single nucleotide variant.
Coding change: c.3559G>A on transcript NM_002430.3 (MANE Select); coding-DNA position 3559, G replaced by A.
Protein change: p.Val1187Ile; replaces valine 1187 with isoleucine.
Molecular consequence: missense variant.
Genome position (GRCh38, 1-based): chr22:27,796,985, C>T on the plus strand (G>A on the coding strand, the complement: MN1 is on the minus strand). VCF-style: chr22-27796985-C-T. GRCh37 (hg19) VCF-style: chr22-28192973-C-T.
Other names: short protein forms V1187I.
Identifiers: ClinVar variation 3360667 (VCV003360667.1).
Genomic context (GRCh38, chr22:27,796,985, plus strand): 5'-CCGCCTCGGAGCAGCAGCTGCCCAGCTCGCTGTCGCCATTCTGCGCCCCTGAGGCCCCGA[C>T]GGCGCACTCACCCTTCTTGCCACCCTTCAGCCCCAGAGGCTGGTCCTCGGAGATGCTGAA-3'
Protein context (NP_002421.3, residues 1177-1197): LKGGKKGECA[Val1187Ile]GASGAQNGDS